The following is an entry in ClinVar:

NM_001037333.3(CYFIP2):c.3447-7C>G

Genes: CYFIP2 (cytoplasmic FMR1 interacting protein 2; plus strand), NIPAL4-DT (NIPAL4 divergent transcript; minus strand), LOC126807569 (P300/CBP strongly-dependent group 1 enhancer GRCh37_chr5:156817055-156818254; plus strand). Cytogenetic location: 5q33.3.
Variant type: single nucleotide variant.
Coding change: c.3447-7C>G on transcript NM_001037333.3 (MANE Select); 7 bases into the intron before coding-DNA position 3447, C replaced by G.
Molecular consequence: intron variant.
Genome position (GRCh38, 1-based): chr5:157,390,514, C>G. VCF-style: chr5-157390514-C-G. GRCh37 (hg19) VCF-style: chr5-156817522-C-G.
Other names: c.3522-7C>G (NM_001291722.1, NM_001291722.2); c.3369-7C>G (NM_001291721.2); c.3447-7C>G (NM_014376.4).
Identifiers: ClinVar variation 1600685 (VCV001600685.18), dbSNP rs374484481, ClinGen allele CA3534390.

ClinVar aggregate classification (germline): Benign/Likely benign. Review status: criteria provided, multiple submitters, no conflicts (2 of 4 stars). 4 submissions from 4 submitters: Benign (1); Likely benign (2). 1 of the submissions does not count toward it. Last evaluated 2026-07-01.

Conditions:
CYFIP2-related disorder. Also called: CYFIP2-related condition.

Allele frequency attached by ClinVar (database versions not stated): ESP Exome Variant Server 0.00042; gnomAD 0.00058 and 0.00062; TOPMed 0.00060; gnomAD exomes 0.00133; ExAC 0.00212.
gnomAD v4.1: 816 of 1,549,336 alleles (0.053%); highest among the groups gnomAD compares: South Asian, 0.043%; 6 homozygotes.

Submissions (6):

CeGaT Center for Human Genetics Tuebingen
Classification: Likely benign. Last evaluated: 2026-07-01. Review status: criteria provided, single submitter. Criteria: CeGaT Center For Human Genetics Tuebingen Variant Classification Criteria Version 2. Collection method: clinical testing. Allele origin: germline. Affected: yes. Observed: 3 variant alleles.
Comment: CYFIP2: BP4, BS1

Labcorp Genetics (formerly Invitae), Labcorp
Classification: Benign. Last evaluated: 2025-11-27. Review status: criteria provided, single submitter. Criteria: Invitae Variant Classification Sherloc (09022015). Collection method: clinical testing. Allele origin: germline.

Blueprint Genetics
Classification: Likely benign. Last evaluated: 2024-11-22. Review status: criteria provided, single submitter. Criteria: ACMG Guidelines, 2015. Collection method: clinical testing. Allele origin: germline.

PreventionGenetics, part of Exact Sciences
Classification: Benign for CYFIP2-related condition. Last evaluated: 2019-05-28. Review status: no assertion criteria provided. Collection method: clinical testing. Allele origin: germline. Not counted in ClinVar's aggregate classification.
Comment: This variant is classified as benign based on ACMG/AMP sequence variant interpretation guidelines (Richards et al. 2015 PMID: 25741868, with internal and published modifications).

Dr. Peter K. Rogan Lab, Western University
No classification provided (evidence only). Condition: Cholangiocarcinoma. Review status: no classification provided. Collection method: in vitro. Allele origin: not applicable. Functional consequence: skipped exon, retained intron. Not counted in ClinVar's aggregate classification.

Dr. Peter K. Rogan Lab, Western University
No classification provided (evidence only). Condition: Uterine carcinosarcoma. Review status: no classification provided. Collection method: in vitro. Allele origin: not applicable. Functional consequence: skipped exon. Not counted in ClinVar's aggregate classification.